The following is an entry in ClinVar:

ClinVar aggregate classification (germline): Uncertain significance. Review status: criteria provided, multiple submitters, no conflicts (2 of 4 stars). 3 submissions from 3 submitters: Uncertain significance (3). Last evaluated 2024-04-09.

Conditions:
Marfan syndrome (MFS). Also called: Marfan's syndrome; Marfan syndrome, classic; MARFAN SYNDROME, TYPE I; Marfan syndrome type 1; FBN1-Related Marfan Syndrome. Identifiers: Orphanet 284963, Orphanet 558, MedGen C0024796, MONDO:0007947, OMIM 154700.
Familial thoracic aortic aneurysm and aortic dissection (TAAD). Also called: Thoracic aortic aneurysms and dissections. Identifiers: Orphanet 91387, MedGen C4707243, MONDO:0019625.

Submissions (3):

Women's Health and Genetics/Laboratory Corporation of America, LabCorp
Classification: Uncertain significance. Last evaluated: 2024-04-09. Review status: criteria provided, single submitter. Criteria: LabCorp Variant Classification Summary - May 2015. Collection method: clinical testing. Allele origin: germline.
Comment: Variant summary: FBN1 c.5971A>C (p.Asn1991His) results in a conservative amino acid change located in the TB domain (IPR017878) of the encoded protein sequence. Four of five in-silico tools predict a damaging effect of the variant on protein function. The variant was absent in 251184 control chromosomes. The available data on variant occurrences in the general population are insufficient to allow any conclusion about variant significance. To our knowledge, no occurrence of c.5971A>C in individuals affected with Marfan Syndrome and no experimental evidence demonstrating its impact on protein function have been reported. ClinVar contains an entry for this variant (Variation ID: 1702801). Based on the evidence outlined above, the variant was classified as uncertain significance.

Labcorp Genetics (formerly Invitae), Labcorp
Classification: Uncertain significance for Marfan syndrome; Familial thoracic aortic aneurysm and aortic dissection. Last evaluated: 2023-10-14. Review status: criteria provided, single submitter. Criteria: Invitae Variant Classification Sherloc (09022015). Collection method: clinical testing. Allele origin: germline.
Comment: This sequence change replaces asparagine, which is neutral and polar, with histidine, which is basic and polar, at codon 1991 of the FBN1 protein (p.Asn1991His). This variant is not present in population databases (gnomAD no frequency). This missense change has been observed in individual(s) with clinical features of Marfan syndrome (Invitae). ClinVar contains an entry for this variant (Variation ID: 1702801). Advanced modeling of protein sequence and biophysical properties (such as structural, functional, and spatial information, amino acid conservation, physicochemical variation, residue mobility, and thermodynamic stability) performed at Invitae indicates that this missense variant is expected to disrupt FBN1 protein function. In summary, the available evidence is currently insufficient to determine the role of this variant in disease. Therefore, it has been classified as a Variant of Uncertain Significance.

GeneDx
Classification: Uncertain significance. Last evaluated: 2022-02-18. Review status: criteria provided, single submitter. Criteria: GeneDx Variant Classification Process June 2021. Collection method: clinical testing. Allele origin: germline. Affected: yes.
Comment: Not observed at significant frequency in large population cohorts (gnomAD); In silico analysis supports that this missense variant has a deleterious effect on protein structure/function; Has not been previously published as pathogenic or benign to our knowledge; This variant is associated with the following publications: (PMID: 20591885)

NM_000138.5(FBN1):c.5971A>C (p.Asn1991His)

Gene: FBN1 (fibrillin 1; minus strand). Cytogenetic location: 15q21.1.
Variant type: single nucleotide variant.
Coding change: c.5971A>C on transcript NM_000138.5 (MANE Select); coding-DNA position 5971, A replaced by C.
Protein change: p.Asn1991His; replaces asparagine 1991 with histidine.
Molecular consequence: missense variant.
Genome position (GRCh38, 1-based): chr15:48,444,607, T>G on the plus strand (A>C on the coding strand, the complement: FBN1 is on the minus strand). VCF-style: chr15-48444607-T-G. GRCh37 (hg19) VCF-style: chr15-48736804-T-G.
Other names: short protein forms N1991H.
Identifiers: ClinVar variation 1702801 (VCV001702801.6), dbSNP rs794728243, ClinGen allele CA392339790.